The following is an entry in ClinVar:

NM_001165963.4(SCN1A):c.4262G>T (p.Gly1421Val)

Genes: SCN1A (sodium voltage-gated channel alpha subunit 1; minus strand), LOC102724058 (uncharacterized LOC102724058; plus strand). Cytogenetic location: 2q24.3.
Variant type: single nucleotide variant.
Coding change: c.4262G>T on transcript NM_001165963.4 (MANE Select); coding-DNA position 4262, G replaced by T.
Protein change: p.Gly1421Val; replaces glycine 1421 with valine.
Molecular consequence: missense variant. On other transcripts: non-coding transcript variant (1).
Genome position (GRCh38, 1-based): chr2:166,002,494, C>A on the plus strand (G>T on the coding strand, the complement: SCN1A is on the minus strand). VCF-style: chr2-166002494-C-A. GRCh37 (hg19) VCF-style: chr2-166859004-C-A.
Other names: c.4178G>T, p.Gly1393Val (NM_001165964.3, NM_001353957.2, NM_001353958.2); c.4262G>T, p.Gly1421Val (NM_001202435.3, NM_001353948.2); c.4229G>T, p.Gly1410Val (NM_001353949.2, NM_001353950.2, NM_001353951.2 and 2 more transcripts); c.4226G>T, p.Gly1409Val (NM_001353954.2, NM_001353955.2); c.4175G>T, p.Gly1392Val (NM_001353960.2); c.1820G>T, p.Gly607Val (NM_001353961.2); short protein forms G1392V, G1393V, G1409V, G1410V, G1421V, G607V.
Identifiers: ClinVar variation 1064216 (VCV001064216.10), dbSNP rs1064795756, ClinGen allele CA349049903.
Genomic context (GRCh38, chr2:166,002,494, plus strand): 5'-AACAATAAAAATATTCAGAGAAAATAGTGTTCACTTACAACTTGAAGCAAAGAGAGATAC[C>A]CAAATCCTACATTATCAAAGTTTACTTTCACATTTTTCCATCGAGCAGTCTCATTTCTTT-3'
Protein context (NP_001159435.1, residues 1411-1431): VKVNFDNVGF[Gly1421Val]YLSLLQVATF

ClinVar aggregate classification (germline): Uncertain significance (1 of 4 stars; one submission).

Conditions:
Early-infantile DEE. Also called: Ohtahara syndrome; Early infantile epileptic encephalopathy with suppression bursts; Early infantile epileptic encephalopathy. Identifiers: Orphanet 1934, MedGen C0393706, MONDO:0800491.

Submission:

Labcorp Genetics (formerly Invitae), Labcorp
Classification: Uncertain significance for Early-infantile DEE. Last evaluated: 2020-06-03. Review status: criteria provided, single submitter. Criteria: Invitae Variant Classification Sherloc (09022015). Collection method: clinical testing. Allele origin: germline.
Comment: This variant is not present in population databases (ExAC no frequency). In summary, the available evidence is currently insufficient to determine the role of this variant in disease. Therefore, it has been classified as a Variant of Uncertain Significance. Algorithms developed to predict the effect of missense changes on protein structure and function (SIFT, PolyPhen-2, Align-GVGD) all suggest that this variant is likely to be disruptive, but these predictions have not been confirmed by published functional studies and their clinical significance is uncertain. This variant has not been reported in the literature in individuals with SCN1A-related conditions. This sequence change replaces glycine with valine at codon 1421 of the SCN1A protein (p.Gly1421Val). The glycine residue is highly conserved and there is a moderate physicochemical difference between glycine and valine.